The following is an entry in ClinVar:

NM_019842.4(KCNQ5):c.1377C>T (p.Thr459=)

Gene: KCNQ5 (potassium voltage-gated channel subfamily Q member 5; plus strand). Cytogenetic location: 6q13.
Variant type: single nucleotide variant.
Coding change: c.1377C>T on transcript NM_019842.4 (MANE Select); coding-DNA position 1377, C replaced by T.
Protein change: p.Thr459=; no amino-acid change (threonine 459 retained).
Molecular consequence: synonymous variant. On other transcripts: intron variant (1).
Genome position (GRCh38, 1-based): chr6:73,133,550, C>T. VCF-style: chr6-73133550-C-T. GRCh37 (hg19) VCF-style: chr6-73843273-C-T.
Other names: c.1350C>T, p.Thr450= (NM_001160130.2); c.1407C>T, p.Thr469= (NM_001160132.2); c.1434C>T, p.Thr478= (NM_001160133.2); c.1247+9038C>T (NM_001160134.2); c.1434C>T (NM_001160133.1).
Identifiers: ClinVar variation 1544357 (VCV001544357.11), dbSNP rs374752116, ClinGen allele CA3887035.

ClinVar aggregate classification (germline): Likely benign. Review status: criteria provided, multiple submitters, no conflicts (2 of 4 stars). 3 submissions from 3 submitters: Likely benign (2). 1 of the submissions does not count toward it. Last evaluated 2026-01-19.

Conditions:
KCNQ5-related disorder. Also called: KCNQ5-related condition.

Allele frequency attached by ClinVar (database versions not stated): TOPMed 0.00004; gnomAD 0.00005 and 0.00006; gnomAD exomes 0.00010; ExAC 0.00012; ESP Exome Variant Server 0.00015.
gnomAD v4.1: 118 of 1,614,100 alleles (0.0073%); highest among the groups gnomAD compares: South Asian, 0.04%; no homozygotes.

Submissions (3):

Labcorp Genetics (formerly Invitae), Labcorp
Classification: Likely benign. Last evaluated: 2026-01-19. Review status: criteria provided, single submitter. Criteria: Invitae Variant Classification Sherloc (09022015). Collection method: clinical testing. Allele origin: germline.

Blueprint Genetics
Classification: Likely benign. Last evaluated: 2024-10-30. Review status: criteria provided, single submitter. Criteria: ACMG Guidelines, 2015. Collection method: clinical testing. Allele origin: germline.

PreventionGenetics, part of Exact Sciences
Classification: Likely benign for KCNQ5-related condition. Last evaluated: 2024-02-20. Review status: no assertion criteria provided. Collection method: clinical testing. Allele origin: germline. Not counted in ClinVar's aggregate classification.
Comment: This variant is classified as likely benign based on ACMG/AMP sequence variant interpretation guidelines (Richards et al. 2015 PMID: 25741868, with internal and published modifications).